The following is an entry in ClinVar:

NM_004628.5(XPC):c.1841T>C (p.Phe614Ser)

Gene: XPC (XPC complex subunit, DNA damage recognition and repair factor; minus strand). Cytogenetic location: 3p25.1.
Variant type: single nucleotide variant.
Coding change: c.1841T>C on transcript NM_004628.5 (MANE Select); coding-DNA position 1841, T replaced by C.
Protein change: p.Phe614Ser; replaces phenylalanine 614 with serine.
Molecular consequence: missense variant. On other transcripts: non-coding transcript variant (2), intron variant (1).
Genome position (GRCh38, 1-based): chr3:14,158,042, A>G on the plus strand (T>C on the coding strand, the complement: XPC is on the minus strand). VCF-style: chr3-14158042-A-G. GRCh37 (hg19) VCF-style: chr3-14199542-A-G.
Other names: c.1262T>C, p.Phe421Ser (NM_001354726.2); c.1841T>C, p.Phe614Ser (NM_001354727.2); c.1823T>C, p.Phe608Ser (NM_001354729.2); c.1626+215T>C (NM_001354730.2); short protein forms F614S, F608S, F421S.
Identifiers: ClinVar variation 135491 (VCV000135491.24), dbSNP rs144766677, ClinGen allele CA162933.

ClinVar aggregate classification (germline): Benign/Likely benign. Review status: criteria provided, multiple submitters, no conflicts (2 of 4 stars). 9 submissions from 9 submitters: Benign (6); Likely benign (2). 1 of the submissions does not count toward it. Last evaluated 2026-02-04.

Conditions:
Xeroderma pigmentosum, group C (XPC). Also called: Xeroderma pigmentosum, complementation group C; XERODERMA PIGMENTOSUM III; XP, GROUP C; XPC-Related Xeroderma Pigmentosum. Identifiers: Orphanet 910, MedGen C2752147, MONDO:0010211, OMIM 278720.
XPC-related disorder. Also called: XPC-related condition.

Allele frequency attached by ClinVar (database versions not stated): gnomAD exomes 0.00063 and 0.00151; ExAC 0.00185; ESP Exome Variant Server 0.00650; gnomAD 0.00666 and 0.00716; TOPMed 0.00694; 1000 Genomes Project 0.00739; 1000 Genomes Project 30x 0.00796.
gnomAD v4.1: 1,999 of 1,603,028 alleles (0.12%); highest among the groups gnomAD compares: African/African-American, 2.3%; 29 homozygotes.

Submissions (9):

Labcorp Genetics (formerly Invitae), Labcorp
Classification: Benign. Last evaluated: 2026-02-04. Review status: criteria provided, single submitter. Criteria: Invitae Variant Classification Sherloc (09022015). Collection method: clinical testing. Allele origin: germline.

Dasa
Classification: Benign. Last evaluated: 2025-12-18. Review status: criteria provided, single submitter. Criteria: DASA Assertion Criteria. Collection method: clinical testing. Allele origin: germline.
Comment: NM_004628.5(XPC):c.1841T>C (p.Phe614Ser) is a missense variant that results in the substitution of phenylalanine with serine. Population frequency is inconsistent with a disease-causing role for this variant. Computational prediction algorithms are consistent with a benign effect. Therefore, based on the currently available evidence, this variant is classified as benign.

PreventionGenetics, part of Exact Sciences
Classification: Benign for XPC-related condition. Last evaluated: 2025-07-24. Review status: criteria provided, single submitter. Criteria: ACMG Guidelines, 2015. Collection method: clinical testing. Allele origin: germline.
Comment: This variant is classified as benign based on ACMG/AMP sequence variant interpretation guidelines (Richards et al. 2015 PMID: 25741868, with internal and published modifications).

Genome-Nilou Lab
Classification: Benign for Xeroderma pigmentosum, group C. Last evaluated: 2021-12-05. Review status: criteria provided, single submitter. Criteria: ACMG Guidelines, 2015. Collection method: clinical testing. Allele origin: germline. Affected: no.

Department of Pathology and Laboratory Medicine, Sinai Health System
Classification: Benign for Xeroderma pigmentosum, group C. Last evaluated: 2021-07-30. Review status: criteria provided, single submitter. Criteria: ACMG Guidelines, 2015. Collection method: research. Allele origin: germline.

GeneDx
Classification: Likely benign. Last evaluated: 2020-12-01. Review status: criteria provided, single submitter. Criteria: GeneDx Variant Classification Process June 2021. Collection method: clinical testing. Allele origin: germline. Affected: yes.

Illumina Laboratory Services, Illumina
Classification: Benign for Xeroderma pigmentosum, group C. Last evaluated: 2018-01-12. Review status: criteria provided, single submitter. Criteria: ICSL Variant Classification Criteria 13 December 2019. Collection method: clinical testing. Allele origin: germline.
Comment: This variant was observed in the ICSL laboratory as part of a predisposition screen in an ostensibly healthy population. It had not been previously curated by ICSL or reported in the Human Gene Mutation Database (HGMD: prior to June 1st, 2018), and was therefore a candidate for classification through an automated scoring system. Utilizing variant allele frequency, disease prevalence and penetrance estimates, and inheritance mode, an automated score was calculated to assess if this variant is too frequent to cause the disease. Based on the score and internal cut-off values, a variant classified as benign is not then subjected to further curation. The score for this variant resulted in a classification of benign for this disease.

Breakthrough Genomics
Classification: Likely benign. Review status: criteria provided, single submitter. Criteria: ACMG Guidelines, 2015. Collection method: not provided. Allele origin: germline. Inheritance: Autosomal recessive inheritance. Affected: yes.

ITMI
No classification provided. Condition: AllHighlyPenetrant. Last evaluated: 2013-09-19. Review status: no classification provided. Collection method: reference population. Allele origin: germline. Not counted in ClinVar's aggregate classification.
Comment: Please see associated publication for description of ethnicities

Literature cited by the submitters: PubMed 24728327 (cited by ITMI).